The following is an entry in ClinVar:

ClinVar aggregate classification (germline): Likely benign (0 of 4 stars; one submission).

Conditions:
KCTD7-related disorder. Also called: KCTD7-related condition.

Allele frequency attached by ClinVar (database versions not stated): gnomAD 0.00001; gnomAD exomes 0.00001; TOPMed 0.00001.
gnomAD v4.1: 11 of 1,609,330 alleles (0.00068%); highest among the groups gnomAD compares: African/African-American, 0.0013%; no homozygotes.

Submission:

PreventionGenetics, part of Exact Sciences
Classification: Likely benign for KCTD7-related condition. Last evaluated: 2020-05-22. Review status: no assertion criteria provided. Collection method: clinical testing. Allele origin: germline.
Comment: This variant is classified as likely benign based on ACMG/AMP sequence variant interpretation guidelines (Richards et al. 2015 PMID: 25741868, with internal and published modifications).

NM_153033.5(KCTD7):c.*4G>A

Gene: KCTD7 (potassium channel tetramerization domain containing 7; plus strand). Cytogenetic location: 7q11.21.
Variant type: single nucleotide variant.
Coding change: c.*4G>A on transcript NM_153033.5 (MANE Select); 4 bases downstream of the stop codon, G replaced by A.
Molecular consequence: 3 prime UTR variant. On other transcripts: intron variant (1).
Genome position (GRCh38, 1-based): chr7:66,639,236, G>A. VCF-style: chr7-66639236-G-A. GRCh37 (hg19) VCF-style: chr7-66104223-G-A.
Other names: c.866+8G>A (NM_001167961.2).
Identifiers: ClinVar variation 3055033 (VCV003055033.2), dbSNP rs773953605, ClinGen allele CA160220269.
Genomic context (GRCh38, chr7:66,639,236, plus strand): 5'-GTGAACCACTACTACTGCAAGCGCCCCATCTATGAGTTCAAGATCACATGGTGGTGAGTA[G>A]CCCCGGTAGGCGAGAGTCCCATCAGGGAGGATGTCCACCTTGCTTGGTGGCTCTGGGAGT-3'